The following is an entry in ClinVar:

NM_018993.4(RIN2):c.537G>A (p.Arg179=)

Gene: RIN2 (Ras and Rab interactor 2; plus strand). Cytogenetic location: 20p11.23.
Variant type: single nucleotide variant.
Coding change: c.537G>A on transcript NM_018993.4 (MANE Select); coding-DNA position 537, G replaced by A.
Protein change: p.Arg179=; no amino-acid change (arginine 179 retained).
Molecular consequence: synonymous variant. On other transcripts: 5 prime UTR variant (1).
Genome position (GRCh38, 1-based): chr20:19,970,838, G>A. VCF-style: chr20-19970838-G-A. GRCh37 (hg19) VCF-style: chr20-19951482-G-A.
Other names: c.684G>A, p.Arg228= (NM_001242581.2); c.-82G>A (NM_001378238.1).
Identifiers: ClinVar variation 3252562 (VCV003252562.1), dbSNP rs1217222318.

ClinVar aggregate classification (germline): Uncertain significance (1 of 4 stars; one submission).

Allele frequency attached by ClinVar (database versions not stated): gnomAD exomes below 0.00001; TOPMed below 0.00001; gnomAD 0.00001.
gnomAD v4.1: 7 of 1,608,932 alleles (0.00044%); highest among the groups gnomAD compares: Non-Finnish European, 0.0006%; no homozygotes.

Submission:

GeneDx
Classification: Uncertain significance. Last evaluated: 2023-06-13. Review status: criteria provided, single submitter. Criteria: GeneDx Variant Classification Process June 2021. Collection method: clinical testing. Allele origin: germline. Affected: yes.
Comment: Has not been previously published as pathogenic or benign to our knowledge; Not observed at significant frequency in large population cohorts (gnomAD); In silico analysis is inconclusive as to whether the variant alters gene splicing. In the absence of RNA/functional studies, the actual effect of this sequence change is unknown.